The following is an entry in ClinVar:

ClinVar aggregate classification (germline): Conflicting classifications of pathogenicity. Review status: criteria provided, conflicting classifications (1 of 4 stars). 2 submissions from 2 submitters: Uncertain significance (1); Likely benign (1). Last evaluated 2023-03-23.

Conditions:
Hereditary breast ovarian cancer syndrome. Also called: Breast and ovarian cancer; BRCA1- and BRCA2-Associated Hereditary Breast and Ovarian Cancer; Hereditary breast and ovarian cancer; Hereditary breast and ovarian cancer syndrome (HBOC); Hereditary breast and/or ovarian cancer syndrome; Hereditary breast and ovarian cancer syndrome. Identifiers: Orphanet 145, MedGen C0677776, MeSH D061325, MONDO:0003582. Disease mechanism: loss of function.
Hereditary cancer-predisposing syndrome. Also called: Tumor predisposition; Hereditary neoplastic syndrome; Neoplastic Syndromes, Hereditary; Hereditary Cancer Syndrome. Identifiers: Orphanet 140162, MedGen C0027672, MeSH D009386, MONDO:0015356.

Submissions (2):

University of Washington Department of Laboratory Medicine, University of Washington
Classification: Likely benign for Hereditary cancer-predisposing syndrome. Last evaluated: 2023-03-23. Review status: criteria provided, single submitter. Criteria: Dines et al. (Genet Med. 2020). Collection method: curation. Allele origin: germline.
Comment: Missense variant in a coldspot region where missense variants are very unlikely to be pathogenic (PMID:31911673).

BRCA2 exon 10 coldspot. Reclassification based on statistical prior probability.

Labcorp Genetics (formerly Invitae), Labcorp
Classification: Uncertain significance for Hereditary breast ovarian cancer syndrome. Last evaluated: 2019-11-28. Review status: criteria provided, single submitter. Criteria: Invitae Variant Classification Sherloc (09022015). Collection method: clinical testing. Allele origin: germline.
Comment: This sequence change replaces leucine with isoleucine at codon 482 of the BRCA2 protein (p.Leu482Ile). The leucine residue is weakly conserved and there is a small physicochemical difference between leucine and isoleucine. This variant has not been reported in the literature in individuals with BRCA2-related conditions. In summary, the available evidence is currently insufficient to determine the role of this variant in disease. Therefore, it has been classified as a Variant of Uncertain Significance. Algorithms developed to predict the effect of missense changes on protein structure and function output the following: SIFT: "Tolerated"; PolyPhen-2: "Benign"; Align-GVGD: "Class C0". The isoleucine amino acid residue is found in multiple mammalian species, suggesting that this missense change does not adversely affect protein function. These predictions have not been confirmed by published functional studies and their clinical significance is uncertain. This variant is not present in population databases (ExAC no frequency).

NM_000059.4(BRCA2):c.1444C>A (p.Leu482Ile)

Gene: BRCA2 (BRCA2 DNA repair associated; plus strand). Cytogenetic location: 13q13.1.
Variant type: single nucleotide variant.
Coding change: c.1444C>A on transcript NM_000059.4 (MANE Select); coding-DNA position 1444, C replaced by A.
Protein change: p.Leu482Ile; replaces leucine 482 with isoleucine.
Molecular consequence: missense variant.
Genome position (GRCh38, 1-based): chr13:32,332,922, C>A. VCF-style: chr13-32332922-C-A. GRCh37 (hg19) VCF-style: chr13-32907059-C-A.
Other names: short protein forms L482I.
Identifiers: ClinVar variation 855861 (VCV000855861.11), dbSNP rs587776460, ClinGen allele CA387764312.